The following is an entry in ClinVar:

ClinVar aggregate classification (germline): Likely pathogenic. Review status: criteria provided, multiple submitters, no conflicts (2 of 4 stars). 2 submissions from 2 submitters: Likely pathogenic (2). Last evaluated 2024-12-02.

Conditions:
Hermansky-Pudlak syndrome 1 (HPS1). Also called: DELTA STORAGE POOL DISEASE. Identifiers: Orphanet 231500, Orphanet 79430, MedGen C2931875, MONDO:0008748, OMIM 203300.
Hermansky-Pudlak syndrome (HPS). Also called: ALBINISM WITH HEMORRHAGIC DIATHESIS AND PIGMENTED RETICULOENDOTHELIAL CELLS. Identifiers: Orphanet 79430, MedGen C0079504, MONDO:0019312.

Submissions (2):

Natera, Inc.
Classification: Likely pathogenic for Hermansky-Pudlak syndrome. Last evaluated: 2024-12-02. Review status: criteria provided, single submitter. Criteria: Natera Variant Classification Schema (03/2026). Collection method: clinical testing. Allele origin: germline.
Comment: The c.668+1G>A variant in HPS1 is a canonical splice donor site variant predicted to affect pre-mRNA splicing, which may result in an abnormal transcript and altered protein product. This variant is expected to result in nonsense mediated decay, truncation, or a dysfunctional protein product. This variant is rare in the general population with a frequency below the threshold expected for the associated phenotype(s). Given the available evidence, this variant is classified as Likely Pathogenic.

Baylor Genetics
Classification: Likely pathogenic for Hermansky-Pudlak syndrome 1. Last evaluated: 2023-04-19. Review status: criteria provided, single submitter. Criteria: ACMG Guidelines, 2015. Collection method: clinical testing. Allele origin: unknown.

NM_000195.5(HPS1):c.668+1G>A

Gene: HPS1 (HPS1 biogenesis of lysosomal organelles complex 3 subunit 1; minus strand). Cytogenetic location: 10q24.2.
Variant type: single nucleotide variant.
Coding change: c.668+1G>A on transcript NM_000195.5 (MANE Select); the canonical splice donor site of the intron after coding-DNA position 668, G replaced by A.
Molecular consequence: splice donor variant. On other transcripts: intron variant (5).
Genome position (GRCh38, 1-based): chr10:98,431,130, C>T on the plus strand (G>A on the coding strand, the complement: HPS1 is on the minus strand). VCF-style: chr10-98431130-C-T. GRCh37 (hg19) VCF-style: chr10-100190887-C-T.
Other names: c.668+1G>A (NM_000195.4, NM_001322478.2, NM_001322476.2 and 4 more transcripts); c.299+1G>A (NM_001322483.2, NM_001322485.2, NM_001322484.2); c.408-460G>A (NM_001322480.2, NM_001322482.2, NM_001322481.2); c.-206+1G>A (NM_001322489.2, NM_001311345.2); c.-305+1G>A (NM_001322487.2); c.551-460G>A (NM_001322492.2, NM_001322490.2).
Identifiers: ClinVar variation 2676051 (VCV002676051.2), dbSNP rs766080221, ClinGen allele CA378052326.